The following is an entry in ClinVar:

ClinVar aggregate classification (germline): Uncertain significance (1 of 4 stars; one submission).

Submission:

GeneDx
Classification: Uncertain significance. Last evaluated: 2023-03-28. Review status: criteria provided, single submitter. Criteria: GeneDx Variant Classification Process June 2021. Collection method: clinical testing. Allele origin: germline. Affected: yes.
Comment: Not observed at significant frequency in large population cohorts (gnomAD); In silico analysis supports that this missense variant has a deleterious effect on protein structure/function; Has not been previously published as pathogenic or benign to our knowledge

NM_020738.4(KIDINS220):c.779C>T (p.Thr260Ile)

Gene: KIDINS220 (kinase D interacting substrate 220; minus strand). Cytogenetic location: 2p25.1.
Variant type: single nucleotide variant.
Coding change: c.779C>T on transcript NM_020738.4 (MANE Select); coding-DNA position 779, C replaced by T.
Protein change: p.Thr260Ile; replaces threonine 260 with isoleucine.
Molecular consequence: missense variant. On other transcripts: non-coding transcript variant (2).
Genome position (GRCh38, 1-based): chr2:8,802,952, G>A on the plus strand (C>T on the coding strand, the complement: KIDINS220 is on the minus strand). VCF-style: chr2-8802952-G-A. GRCh37 (hg19) VCF-style: chr2-8943082-G-A.
Other names: c.782C>T, p.Thr261Ile (NM_001348729.2, NM_001348731.2, NM_001348734.2 and 3 more transcripts); c.779C>T, p.Thr260Ile (NM_001348732.2, NM_001348735.2, NM_001348738.2 and 3 more transcripts); c.653C>T, p.Thr218Ile (NM_001348736.2); short protein forms T218I, T260I, T261I.
Identifiers: ClinVar variation 2582112 (VCV002582112.1), dbSNP rs2528159753, ClinGen allele CA345772744.
Genomic context (GRCh38, chr2:8,802,952, plus strand): 5'-TTCACCACTAGGAGACAAATGTGAAATAGATGACCTACCCTGTCAGGTATGTTCACATAT[G>A]TTCCAGCGTCGAGCAGATCCTGCACAATCTCCGTATGTCCCTCCTTTGATGCAATCATCA-3'
Protein context (NP_065789.1, residues 250-270): EIVQDLLDAG[Thr260Ile]YVNIPDRSGD